The following is an entry in ClinVar:

ClinVar aggregate classification (germline): Uncertain significance. Review status: criteria provided, multiple submitters, no conflicts (2 of 4 stars). 3 submissions from 3 submitters: Uncertain significance (3). Last evaluated 2025-08-19.

Conditions:
Thyroid dyshormonogenesis 6 (TDH6). Also called: HYPOTHYROIDISM, CONGENITAL, DUE TO DYSHORMONOGENESIS, 6; THYROID HORMONOGENESIS, GENETIC DEFECT IN, 6; Genetic transient congenital hypothyroidism. Identifiers: Orphanet 226316, Orphanet 95716, MedGen C1846632, MONDO:0011792, OMIM 607200.
Inborn genetic diseases. Identifiers: MedGen C0950123, MeSH D030342.

Allele frequency attached by ClinVar (database versions not stated): gnomAD 0.00001 and 0.00002; TOPMed 0.00001; gnomAD exomes 0.00002; ExAC 0.00003.

Submissions (3):

Ambry Genetics
Classification: Uncertain significance for Inborn genetic diseases. Last evaluated: 2025-08-19. Review status: criteria provided, single submitter. Criteria: Ambry Variant Classification Scheme 2023. Collection method: clinical testing. Allele origin: germline.

Labcorp Genetics (formerly Invitae), Labcorp
Classification: Uncertain significance. Last evaluated: 2024-04-17. Review status: criteria provided, single submitter. Criteria: Invitae Variant Classification Sherloc (09022015). Collection method: clinical testing. Allele origin: germline.
Comment: This sequence change replaces arginine, which is basic and polar, with cysteine, which is neutral and slightly polar, at codon 936 of the DUOX2 protein (p.Arg936Cys). This variant is present in population databases (rs759249545, gnomAD 0.01%). This variant has not been reported in the literature in individuals affected with DUOX2-related conditions. ClinVar contains an entry for this variant (Variation ID: 888209). Advanced modeling of protein sequence and biophysical properties (such as structural, functional, and spatial information, amino acid conservation, physicochemical variation, residue mobility, and thermodynamic stability) has been performed at Invitae for this missense variant, however the output from this modeling did not meet the statistical confidence thresholds required to predict the impact of this variant on DUOX2 protein function. In summary, the available evidence is currently insufficient to determine the role of this variant in disease. Therefore, it has been classified as a Variant of Uncertain Significance.

Illumina Laboratory Services, Illumina
Classification: Uncertain significance for Thyroid dyshormonogenesis 6. Last evaluated: 2017-04-27. Review status: criteria provided, single submitter. Criteria: ICSL Variant Classification Criteria 13 December 2019. Collection method: clinical testing. Allele origin: germline.

NM_001363711.2(DUOX2):c.2806C>T (p.Arg936Cys)

Gene: DUOX2 (dual oxidase 2; minus strand). Cytogenetic location: 15q21.1.
Variant type: single nucleotide variant.
Coding change: c.2806C>T on transcript NM_001363711.2 (MANE Select); coding-DNA position 2806, C replaced by T.
Protein change: p.Arg936Cys; replaces arginine 936 with cysteine.
Molecular consequence: missense variant.
Genome position (GRCh38, 1-based): chr15:45,101,838, G>A on the plus strand (C>T on the coding strand, the complement: DUOX2 is on the minus strand). VCF-style: chr15-45101838-G-A. GRCh37 (hg19) VCF-style: chr15-45394036-G-A.
Other names: c.2806C>T, p.Arg936Cys (NM_014080.5); short protein forms R936C.
Identifiers: ClinVar variation 888209 (VCV000888209.9), dbSNP rs759249545, ClinGen allele CA7538143.